The following is an entry in ClinVar:

NM_003776.4(MRPL40):c.464C>T (p.Pro155Leu)

Gene: MRPL40 (mitochondrial ribosomal protein L40; plus strand). Cytogenetic location: 22q11.21.
Variant type: single nucleotide variant.
Coding change: c.464C>T on transcript NM_003776.4 (MANE Select); coding-DNA position 464, C replaced by T.
Protein change: p.Pro155Leu; replaces proline 155 with leucine.
Molecular consequence: missense variant.
Genome position (GRCh38, 1-based): chr22:19,435,805, C>T. VCF-style: chr22-19435805-C-T. GRCh37 (hg19) VCF-style: chr22-19423328-C-T.
Other names: c.332C>T, p.Pro111Leu (NM_001318151.2); short protein forms P155L, P111L.
Identifiers: ClinVar variation 3711072 (VCV003711072.2).

ClinVar aggregate classification (germline): Uncertain significance (1 of 4 stars; one submission).

gnomAD v4.1: 102 of 1,614,200 alleles (0.0063%); highest among the groups gnomAD compares: South Asian, 0.077%; no homozygotes.

Submission:

Labcorp Genetics (formerly Invitae), Labcorp
Classification: Uncertain significance. Last evaluated: 2024-03-27. Review status: criteria provided, single submitter. Criteria: Invitae Variant Classification Sherloc (09022015). Collection method: clinical testing. Allele origin: germline.
Comment: This sequence change replaces proline, which is neutral and non-polar, with leucine, which is neutral and non-polar, at codon 155 of the MRPL40 protein (p.Pro155Leu). This variant is present in population databases (rs376277701, gnomAD 0.09%), and has an allele count higher than expected for a pathogenic variant. This variant has not been reported in the literature in individuals affected with MRPL40-related conditions. An algorithm developed to predict the effect of missense changes on protein structure and function (PolyPhen-2) suggests that this variant is likely to be tolerated. In summary, the available evidence is currently insufficient to determine the role of this variant in disease. Therefore, it has been classified as a Variant of Uncertain Significance.